The following is an entry in ClinVar:

NM_139276.3(STAT3):c.2297C>G (p.Ala766Gly)

Gene: STAT3 (signal transducer and activator of transcription 3; minus strand). Cytogenetic location: 17q21.2.
Variant type: single nucleotide variant.
Coding change: c.2297C>G on transcript NM_139276.3 (MANE Select); coding-DNA position 2297, C replaced by G.
Protein change: p.Ala766Gly; replaces alanine 766 with glycine.
Molecular consequence: missense variant. On other transcripts: 3 prime UTR variant (7).
Genome position (GRCh38, 1-based): chr17:42,315,761, G>C on the plus strand (C>G on the coding strand, the complement: STAT3 is on the minus strand). VCF-style: chr17-42315761-G-C. GRCh37 (hg19) VCF-style: chr17-40467779-G-C.
Other names: c.2285C>G, p.Ala762Gly (NM_001384993.1); c.2294C>G, p.Ala765Gly (NM_003150.4, NM_001369514.1, NM_001369516.1); c.*78C>G (NM_213662.2, NM_001369517.1, NM_001369518.1 and 4 more transcripts); c.2297C>G, p.Ala766Gly (NM_001369512.1, NM_001369513.1); c.2213C>G, p.Ala738Gly (NM_001384984.1); c.2219C>G, p.Ala740Gly (NM_001384985.1); c.2276C>G, p.Ala759Gly (NM_001384987.1); c.2201C>G, p.Ala734Gly (NM_001384988.1); and 3 more; short protein forms A733G, A734G, A738G, A740G, A746G, A757G, A759G, A762G.
Identifiers: ClinVar variation 3753763 (VCV003753763.2).
Genomic context (GRCh38, chr17:42,315,761, plus strand): 5'-AGGCGCCTCAGTCGTATCTTTCTGCAGCTTCCGTTCTCAGCTCCTCACATGGGGGAGGTA[G>C]CGCACTCCGAGGTCAACTCCATGTCAAAGGTGAGGGACTCTGGAGGGACAGACAGGGAAA-3'
Protein context (NP_644805.1, residues 756-770): TFDMELTSEC[Ala766Gly]TSPM

ClinVar aggregate classification (germline): Uncertain significance (1 of 4 stars; one submission).

Conditions:
Hyper-IgE recurrent infection syndrome 1, autosomal dominant. Also called: STAT3 Hyper IgE Syndrome; Hyper-IgE recurrent infection syndrome 1; JOB SYNDROME; Job's Syndrome; HYPER-IgE SYNDROME 1, AUTOSOMAL DOMINANT, WITH RECURRENT INFECTIONS. Identifiers: Orphanet 2314, MedGen C2936739, MONDO:0007818, OMIM 147060.
STAT3 gain of function. Identifiers: MedGen C4288261.

Submission:

Labcorp Genetics (formerly Invitae), Labcorp
Classification: Uncertain significance for STAT3 gain of function; Hyper-IgE recurrent infection syndrome 1, autosomal dominant. Last evaluated: 2024-08-07. Review status: criteria provided, single submitter. Criteria: Invitae Variant Classification Sherloc (09022015). Collection method: clinical testing. Allele origin: germline.
Comment: This sequence change replaces alanine, which is neutral and non-polar, with glycine, which is neutral and non-polar, at codon 766 of the STAT3 protein (p.Ala766Gly). This variant is not present in population databases (gnomAD no frequency). This variant has not been reported in the literature in individuals affected with STAT3-related conditions. Advanced modeling of protein sequence and biophysical properties (such as structural, functional, and spatial information, amino acid conservation, physicochemical variation, residue mobility, and thermodynamic stability) performed at Invitae indicates that this missense variant is not expected to disrupt STAT3 protein function with a negative predictive value of 95%. In summary, the available evidence is currently insufficient to determine the role of this variant in disease. Therefore, it has been classified as a Variant of Uncertain Significance.